The following is an entry in ClinVar:

NM_001382241.1(TNPO2):c.1937G>A (p.Ser646Asn)

Gene: TNPO2 (transportin 2; minus strand). Cytogenetic location: 19p13.13.
Variant type: single nucleotide variant.
Coding change: c.1937G>A on transcript NM_001382241.1 (MANE Select); coding-DNA position 1937, G replaced by A.
Protein change: p.Ser646Asn; replaces serine 646 with asparagine.
Molecular consequence: missense variant. On other transcripts: non-coding transcript variant (6).
Genome position (GRCh38, 1-based): chr19:12,705,325, C>T on the plus strand (G>A on the coding strand, the complement: TNPO2 is on the minus strand). VCF-style: chr19-12705325-C-T. GRCh37 (hg19) VCF-style: chr19-12816139-C-T.
Other names: c.1937G>A, p.Ser646Asn (NM_001136195.2, NM_001136196.2, NM_001382236.1 and 7 more transcripts); short protein forms S646N.
Identifiers: ClinVar variation 1704960 (VCV001704960.2), dbSNP rs2512641045, ClinGen allele CA404238745.
Genomic context (GRCh38, chr19:12,705,325, plus strand): 5'-ATGATGTTGCTGCGGGCCACCAGCTGCTCCACGTGACCACCCAGGCCCTCGGCCAGGCCG[C>T]TGAGCAGATCCAGTGCTACGATCATGAAGTCCTTGTCGGGAGCCTCATACTGCTCAGGGT-3'
Protein context (NP_001369170.1, residues 636-656): DFMIVALDLL[Ser646Asn]GLAEGLGGHV

ClinVar aggregate classification (germline): Uncertain significance (1 of 4 stars; one submission).

Submission:

GeneDx
Classification: Uncertain significance. Last evaluated: 2022-03-07. Review status: criteria provided, single submitter. Criteria: GeneDx Variant Classification Process June 2021. Collection method: clinical testing. Allele origin: germline. Affected: yes.
Comment: Not observed at significant frequency in large population cohorts (gnomAD); In silico analysis supports that this missense variant has a deleterious effect on protein structure/function; Has not been previously published as pathogenic or benign to our knowledge